The following is an entry in ClinVar:

ClinVar aggregate classification (germline): Uncertain significance (1 of 4 stars; one submission).

gnomAD v4.1: 18 of 1,614,180 alleles (0.0011%); highest among the groups gnomAD compares: Non-Finnish European, 0.0014%; no homozygotes.

Submission:

CeGaT Center for Human Genetics Tuebingen
Classification: Uncertain significance. Last evaluated: 2026-03-01. Review status: criteria provided, single submitter. Criteria: CeGaT Center For Human Genetics Tuebingen Variant Classification Criteria Version 2. Collection method: clinical testing. Allele origin: germline. Affected: yes. Observed: 1 variant allele.
Comment: CHMP2B: PM2:Supporting, BP4

NM_014043.4(CHMP2B):c.-1C>T

Gene: CHMP2B (charged multivesicular body protein 2B; plus strand). Cytogenetic location: 3p11.2.
Variant type: single nucleotide variant.
Coding change: c.-1C>T on transcript NM_014043.4 (MANE Select); 1 bases upstream of the start codon, C replaced by T.
Molecular consequence: 5 prime UTR variant.
Genome position (GRCh38, 1-based): chr3:87,227,522, C>T. VCF-style: chr3-87227522-C-T. GRCh37 (hg19) VCF-style: chr3-87276672-C-T.
Other names: c.-32C>T (NM_001244644.2, NM_001410777.1).
Identifiers: ClinVar variation 4874199 (VCV004874199.2).
Genomic context (GRCh38, chr3:87,227,522, plus strand): 5'-TCCTTTGCCAGCGTTGGGCCGGACCGGGCCGAGCCGGGCCGCCCGGGCGCAGTCTTTAAC[C>T]ATGGCGTCCCTCTTCAAGAAGAAAACCGTGGATGGTGAGTTCCAGGCCGGGCTGAAGGGG-3'